The following is an entry in ClinVar:

ClinVar aggregate classification (germline): Uncertain significance (1 of 4 stars; one submission).

Conditions:
LAMA2-related muscular dystrophy (LAMA2-RD). Also called: Laminin alpha 2-related dystrophy. Identifiers: MedGen C5679788, MONDO:0100228.

Allele frequency attached by ClinVar (database versions not stated): gnomAD exomes below 0.00001; TOPMed 0.00001.
gnomAD v4.1: 2 of 1,614,130 alleles (0.00012%); highest among the groups gnomAD compares: Admixed American, 0.0033%; no homozygotes.

Submission:

Labcorp Genetics (formerly Invitae), Labcorp
Classification: Uncertain significance for LAMA2-related muscular dystrophy. Last evaluated: 2019-07-04. Review status: criteria provided, single submitter. Criteria: Invitae Variant Classification Sherloc (09022015). Collection method: clinical testing. Allele origin: germline.
Comment: In summary, the available evidence is currently insufficient to determine the role of this variant in disease. Therefore, it has been classified as a Variant of Uncertain Significance. This sequence change replaces cysteine with serine at codon 879 of the LAMA2 protein (p.Cys879Ser). The cysteine residue is highly conserved and there is a moderate physicochemical difference between cysteine and serine. This variant is not present in population databases (ExAC no frequency). This variant has not been reported in the literature in individuals with LAMA2-related disease. Algorithms developed to predict the effect of missense changes on protein structure and function are either unavailable or do not agree on the potential impact of this missense change (SIFT: "Deleterious"; PolyPhen-2: "Probably Damaging"; Align-GVGD: "Class C0"). Algorithms developed to predict the effect of sequence changes on RNA splicing suggest that this variant may create or strengthen a splice site, but this prediction has not been confirmed by published transcriptional studies.

NM_000426.4(LAMA2):c.2635T>A (p.Cys879Ser)

Gene: LAMA2 (laminin subunit alpha 2; plus strand). Cytogenetic location: 6q22.33.
Variant type: single nucleotide variant.
Coding change: c.2635T>A on transcript NM_000426.4 (MANE Select); coding-DNA position 2635, T replaced by A.
Protein change: p.Cys879Ser; replaces cysteine 879 with serine.
Molecular consequence: missense variant.
Genome position (GRCh38, 1-based): chr6:129,287,944, T>A. VCF-style: chr6-129287944-T-A. GRCh37 (hg19) VCF-style: chr6-129609089-T-A.
Other names: c.2635T>A, p.Cys879Ser (NM_001079823.2); short protein forms C879S.
Identifiers: ClinVar variation 639440 (VCV000639440.11), dbSNP rs1333056473, ClinGen allele CA365609905.